The following is an entry in ClinVar:

ClinVar aggregate classification (germline): Likely benign. Review status: criteria provided, multiple submitters, no conflicts (2 of 4 stars). 2 submissions from 2 submitters: Likely benign (2). Last evaluated 2024-01-08.

Allele frequency attached by ClinVar (database versions not stated): ESP Exome Variant Server 0.00008; ExAC 0.00019; gnomAD exomes 0.00019; gnomAD 0.00025; TOPMed 0.00025.
gnomAD v4.1: 311 of 1,613,594 alleles (0.019%); highest among the groups gnomAD compares: Middle Eastern, 0.083%; 1 homozygote.

Submissions (2):

Ambry Genetics
Classification: Likely benign. Last evaluated: 2024-01-08. Review status: criteria provided, single submitter. Criteria: Ambry Variant Classification Scheme 2023. Collection method: clinical testing. Allele origin: germline.

CeGaT Center for Human Genetics Tuebingen
Classification: Likely benign. Last evaluated: 2022-07-01. Review status: criteria provided, single submitter. Criteria: CeGaT Center For Human Genetics Tuebingen Variant Classification Criteria Version 2. Collection method: clinical testing. Allele origin: germline. Affected: yes. Observed: 1 variant allele.
Comment: EP400: BP4, BP7

NM_015409.5(EP400):c.8409G>A (p.Ala2803=)

Gene: EP400 (E1A binding protein p400; plus strand). Cytogenetic location: 12q24.33.
Variant type: single nucleotide variant.
Coding change: c.8409G>A on transcript NM_015409.5 (MANE Select); coding-DNA position 8409, G replaced by A.
Protein change: p.Ala2803=; no amino-acid change (alanine 2803 retained).
Molecular consequence: synonymous variant.
Genome position (GRCh38, 1-based): chr12:132,064,742, G>A. VCF-style: chr12-132064742-G-A. GRCh37 (hg19) VCF-style: chr12-132549287-G-A.
Other names: c.8409G>A (NM_015409.4).
Identifiers: ClinVar variation 2643626 (VCV002643626.25), dbSNP rs368496363, ClinGen allele CA6887181.